The following is an entry in ClinVar:

ClinVar aggregate classification (germline): Uncertain significance (1 of 4 stars; one submission).

Allele frequency attached by ClinVar (database versions not stated): gnomAD exomes 0.00001 and 0.00002; gnomAD 0.00002 and 0.00003.
gnomAD v4.1: 41 of 1,614,038 alleles (0.0025%); highest among the groups gnomAD compares: Non-Finnish European, 0.0031%; no homozygotes.

Submission:

Labcorp Genetics (formerly Invitae), Labcorp
Classification: Uncertain significance. Last evaluated: 2022-07-09. Review status: criteria provided, single submitter. Criteria: Invitae Variant Classification Sherloc (09022015). Collection method: clinical testing. Allele origin: germline.
Comment: This variant has not been reported in the literature in individuals affected with PLK4-related conditions. ClinVar contains an entry for this variant (Variation ID: 1355243). This variant is present in population databases (no rsID available, gnomAD 0.002%). This sequence change replaces isoleucine, which is neutral and non-polar, with threonine, which is neutral and polar, at codon 283 of the PLK4 protein (p.Ile283Thr). In summary, the available evidence is currently insufficient to determine the role of this variant in disease. Therefore, it has been classified as a Variant of Uncertain Significance. Algorithms developed to predict the effect of missense changes on protein structure and function are either unavailable or do not agree on the potential impact of this missense change (SIFT: "Deleterious"; PolyPhen-2: "Possibly Damaging"; Align-GVGD: "Class C0").

NM_014264.5(PLK4):c.848T>C (p.Ile283Thr)

Gene: PLK4 (polo like kinase 4; plus strand). Cytogenetic location: 4q28.1.
Variant type: single nucleotide variant.
Coding change: c.848T>C on transcript NM_014264.5 (MANE Select); coding-DNA position 848, T replaced by C.
Protein change: p.Ile283Thr; replaces isoleucine 283 with threonine.
Molecular consequence: missense variant.
Genome position (GRCh38, 1-based): chr4:127,886,218, T>C. VCF-style: chr4-127886218-T-C. GRCh37 (hg19) VCF-style: chr4-128807373-T-C.
Other names: c.752T>C, p.Ile251Thr (NM_001190799.2); c.725T>C, p.Ile242Thr (NM_001190801.2); short protein forms I242T, I251T, I283T.
Identifiers: ClinVar variation 1355243 (VCV001355243.8), dbSNP rs1009585845, ClinGen allele CA105636880.